The following is an entry in ClinVar:

NM_006922.4(SCN3A):c.5401G>A (p.Asp1801Asn)

Gene: SCN3A (sodium voltage-gated channel alpha subunit 3; minus strand). Cytogenetic location: 2q24.3.
Variant type: single nucleotide variant.
Coding change: c.5401G>A on transcript NM_006922.4 (MANE Select); coding-DNA position 5401, G replaced by A.
Protein change: p.Asp1801Asn; replaces aspartic acid 1801 with asparagine.
Molecular consequence: missense variant.
Genome position (GRCh38, 1-based): chr2:165,090,752, C>T on the plus strand (G>A on the coding strand, the complement: SCN3A is on the minus strand). VCF-style: chr2-165090752-C-T. GRCh37 (hg19) VCF-style: chr2-165947262-C-T.
Other names: c.5254G>A, p.Asp1752Asn (NM_001081676.2, NM_001081677.2); short protein forms D1752N, D1801N.
Identifiers: ClinVar variation 4779750 (VCV004779750.1).

ClinVar aggregate classification (germline): Uncertain significance (1 of 4 stars; one submission).

Submission:

Labcorp Genetics (formerly Invitae), Labcorp
Classification: Uncertain significance. Last evaluated: 2025-07-14. Review status: criteria provided, single submitter. Criteria: Invitae Variant Classification Sherloc (09022015). Collection method: clinical testing. Allele origin: germline.
Comment: This sequence change replaces aspartic acid, which is acidic and polar, with asparagine, which is neutral and polar, at codon 1801 of the SCN3A protein (p.Asp1801Asn). This variant is not present in population databases (gnomAD no frequency). This variant has not been reported in the literature in individuals affected with SCN3A-related conditions. Invitae Evidence Modeling of protein sequence and biophysical properties (such as structural, functional, and spatial information, amino acid conservation, physicochemical variation, residue mobility, and thermodynamic stability) indicates that this missense variant is expected to disrupt SCN3A protein function with a positive predictive value of 95%. In summary, the available evidence is currently insufficient to determine the role of this variant in disease. Therefore, it has been classified as a Variant of Uncertain Significance.